The following is an entry in ClinVar:

ClinVar aggregate classification (germline): Pathogenic (1 of 4 stars; one submission).

Conditions:
Hereditary cancer-predisposing syndrome. Also called: Tumor predisposition; Hereditary Cancer Syndrome; Neoplastic Syndromes, Hereditary; Hereditary neoplastic syndrome. Identifiers: Orphanet 140162, MedGen C0027672, MeSH D009386, MONDO:0015356.

Submission:

Ambry Genetics
Classification: Pathogenic for Hereditary cancer-predisposing syndrome. Last evaluated: 2022-07-15. Review status: criteria provided, single submitter. Criteria: Ambry Variant Classification Scheme 2023. Collection method: clinical testing. Allele origin: germline.
Comment: The p.Q88* pathogenic mutation (also known as c.262C>T), located in coding exon 2 of the TMEM127 gene, results from a C to T substitution at nucleotide position 262. This changes the amino acid from a glutamine to a stop codon within coding exon 2. This variant is considered to be rare based on population cohorts in the Genome Aggregation Database (gnomAD). This alteration is expected to result in loss of function by premature protein truncation or nonsense-mediated mRNA decay. As such, this alteration is interpreted as a disease-causing mutation.

NM_017849.4(TMEM127):c.262C>T (p.Gln88Ter)

Gene: TMEM127 (transmembrane protein 127; minus strand). Cytogenetic location: 2q11.2.
Variant type: single nucleotide variant.
Coding change: c.262C>T on transcript NM_017849.4 (MANE Select); coding-DNA position 262, C replaced by T.
Protein change: p.Gln88Ter; replaces glutamine 88 with a stop codon.
Molecular consequence: nonsense.
Genome position (GRCh38, 1-based): chr2:96,254,980, G>A on the plus strand (C>T on the coding strand, the complement: TMEM127 is on the minus strand). VCF-style: chr2-96254980-G-A. GRCh37 (hg19) VCF-style: chr2-96920718-G-A.
Other names: c.262C>T, p.Gln88Ter (NM_001193304.3); c.10C>T, p.Gln4Ter (NM_001407282.1, NM_001407283.1); short protein forms Q4*, Q88*.
Identifiers: ClinVar variation 1794030 (VCV001794030.2), dbSNP rs2467266690, ClinGen allele CA347653644.